The following is an entry in ClinVar:

ClinVar aggregate classification (germline): Uncertain significance (1 of 4 stars; one submission).

Submission:

Labcorp Genetics (formerly Invitae), Labcorp
Classification: Uncertain significance. Last evaluated: 2023-01-23. Review status: criteria provided, single submitter. Criteria: Invitae Variant Classification Sherloc (09022015). Collection method: clinical testing. Allele origin: germline.
Comment: In summary, the available evidence is currently insufficient to determine the role of this variant in disease. Therefore, it has been classified as a Variant of Uncertain Significance. This variant has not been reported in the literature in individuals affected with DFNA5-related conditions. This variant is not present in population databases (gnomAD no frequency). This sequence change creates a premature translational stop signal (p.Pro372Argfs*15) in the DFNA5 gene. It is expected to result in an absent or disrupted protein product. However, the current clinical and genetic evidence is not sufficient to establish whether loss-of-function variants in DFNA5 cause disease.

NM_001127453.2(GSDME):c.1110_1114dup (p.Pro372fs)

Gene: GSDME (gasdermin E; minus strand). Cytogenetic location: 7p15.3.
Variant type: Duplication.
Coding change: c.1110_1114dup on transcript NM_001127453.2 (MANE Select); coding-DNA positions 1110 to 1114, 5 bases duplicated (GTGTC; older notation c.1110_1114dupGTGTC).
Protein change: p.Pro372fs; shifts the reading frame from proline 372.
Molecular consequence: frameshift variant.
Genome position (GRCh38, 1-based): chr7:24,706,253-24,706,257, GACAC duplicated on the plus strand (GTGTC on the coding strand, the reverse complement: GSDME is on the minus strand). VCF-style (leftmost placement, unchanged base first): chr7-24706252-G-GGACAC. GRCh37 (hg19) VCF-style: chr7-24745871-G-GGACAC.
Other names: c.1110_1114dup, p.Pro372fs (NM_004403.3); c.618_622dup, p.Pro208fs (NM_001127454.2); short protein forms P208fs, P372fs.
Identifiers: ClinVar variation 2831342 (VCV002831342.3), dbSNP rs2534973432, ClinGen allele CA2739266367.